The following is an entry in ClinVar:

NM_144701.3(IL23R):c.443C>G (p.Ala148Gly)

Gene: IL23R (interleukin 23 receptor; plus strand). Cytogenetic location: 1p31.3.
Variant type: single nucleotide variant.
Coding change: c.443C>G on transcript NM_144701.3 (MANE Select); coding-DNA position 443, C replaced by G.
Protein change: p.Ala148Gly; replaces alanine 148 with glycine.
Molecular consequence: missense variant.
Genome position (GRCh38, 1-based): chr1:67,182,911, C>G. VCF-style: chr1-67182911-C-G. GRCh37 (hg19) VCF-style: chr1-67648594-C-G.
Other names: short protein forms A148G.
Identifiers: ClinVar variation 3698467 (VCV003698467.2).

ClinVar aggregate classification (germline): Uncertain significance (1 of 4 stars; one submission).

gnomAD v4.1: 2 of 1,614,108 alleles (0.00012%); highest among the groups gnomAD compares: Admixed American, 0.0017%; no homozygotes.

Submission:

Labcorp Genetics (formerly Invitae), Labcorp
Classification: Uncertain significance. Last evaluated: 2025-11-25. Review status: criteria provided, single submitter. Criteria: Invitae Variant Classification Sherloc (09022015). Collection method: clinical testing. Allele origin: germline.
Comment: This sequence change replaces alanine, which is neutral and non-polar, with glycine, which is neutral and non-polar, at codon 148 of the IL23R protein (p.Ala148Gly). This variant is present in population databases (rs759049474, gnomAD 0.003%). This variant has not been reported in the literature in individuals affected with IL23R-related conditions. ClinVar contains an entry for this variant (Variation ID: 3698467). An algorithm developed to predict the effect of missense changes on protein structure and function (PolyPhen-2) suggests that this variant is likely to be tolerated. In summary, the available evidence is currently insufficient to determine the role of this variant in disease. Therefore, it has been classified as a Variant of Uncertain Significance.